The following is an entry in ClinVar:

NM_052947.4(ALPK2):c.1979C>G (p.Thr660Arg)

Gene: ALPK2 (alpha kinase 2; minus strand). Cytogenetic location: 18q21.31.
Variant type: single nucleotide variant.
Coding change: c.1979C>G on transcript NM_052947.4 (MANE Select); coding-DNA position 1979, C replaced by G.
Protein change: p.Thr660Arg; replaces threonine 660 with arginine.
Molecular consequence: missense variant.
Genome position (GRCh38, 1-based): chr18:58,538,208, G>C on the plus strand (C>G on the coding strand, the complement: ALPK2 is on the minus strand). VCF-style: chr18-58538208-G-C. GRCh37 (hg19) VCF-style: chr18-56205440-G-C.
Other names: short protein forms T660R.
Identifiers: ClinVar variation 3228599 (VCV003228599.1), dbSNP rs2518878301, ClinGen allele CA402571972.
Genomic context (GRCh38, chr18:58,538,208, plus strand): 5'-TCCTCCCCAGCAGGCTCTGAGAAAGCTGGCATCTGGCTGCAAGAGATTGTCTCTCTGACT[G>C]TTTCCTGAACTTGTACCTAGGAAGATGAAAAGTGATATTAGTAGAATTGTTCATGGGAGA-3'
Protein context (NP_443179.3, residues 650-670): SDPPQVQVQE[Thr660Arg]VRETISCSQM

ClinVar aggregate classification (germline): Uncertain significance (1 of 4 stars; one submission).

Submission:

Ambry Genetics
Classification: Uncertain significance. Last evaluated: 2023-09-21. Review status: criteria provided, single submitter. Criteria: Ambry Variant Classification Scheme 2023. Collection method: clinical testing. Allele origin: germline.
Comment: The p.T660R variant (also known as c.1979C>G), located in coding exon 4 of the ALPK2 gene, results from a C to G substitution at nucleotide position 1979. The threonine at codon 660 is replaced by arginine, an amino acid with similar properties. This amino acid position is conserved. In addition, this alteration is predicted to be tolerated by in silico analysis. Since supporting evidence is limited at this time, the clinical significance of this alteration remains unclear.